The following is an entry in ClinVar:

NM_181303.2(NLGN3):c.806G>A (p.Ser269Asn)

Gene: NLGN3 (neuroligin 3; plus strand). Cytogenetic location: Xq13.1.
Variant type: single nucleotide variant.
Coding change: c.806G>A on transcript NM_181303.2 (MANE Select); coding-DNA position 806, G replaced by A.
Protein change: p.Ser269Asn; replaces serine 269 with asparagine.
Molecular consequence: missense variant.
Genome position (GRCh38, 1-based): chrX:71,164,221, G>A. VCF-style: chrX-71164221-G-A. GRCh37 (hg19) VCF-style: chrX-70384071-G-A.
Other names: c.686G>A, p.Ser229Asn (NM_001166660.2); c.395G>A, p.Ser132Asn (NM_001321276.2); c.746G>A, p.Ser249Asn (NM_018977.4); short protein forms S132N, S229N, S249N, S269N.
Identifiers: ClinVar variation 1098690 (VCV001098690.1), dbSNP rs2092439435, ClinGen allele CA413555422.
Genomic context (GRCh38, chrX:71,164,221, plus strand): 5'-ATCAGGCTGCCAAGGGCAACTATGGGCTCCTTGACCAGATCCAGGCCCTCCGCTGGGTGA[G>A]CGAGAATATTGCCTTCTTCGGGGGAGACCCCCGCCGGATCACTGTCTTTGGCTCGGGCAT-3'
Protein context (NP_851820.1, residues 259-279): LDQIQALRWV[Ser269Asn]ENIAFFGGDP

ClinVar aggregate classification (germline): Uncertain significance (1 of 4 stars; one submission).

Conditions:
Autism, susceptibility to, X-linked 1 (AUTSX1). Also called: Autism susceptibility, X-linked 1. Identifiers: MedGen C1845540, MONDO:0010321, OMIM 300425.

Allele frequency attached by ClinVar (database versions not stated): TOPMed below 0.00001.

Submission:

New York Genome Center
Classification: Uncertain significance for Autism, susceptibility to, X-linked 1. Last evaluated: 2020-05-14. Review status: criteria provided, single submitter. Criteria: NYGC Assertion Criteria 2020. Collection method: clinical testing. Allele origin: inherited. Observed: 1 hemizygote. Study: CSER-NYCKidSeq.
Comment: The inherited c.746G>A,p.Ser249Asn variant in the NLGN3 gene is absent from the gnomAD database, indicating this is a rare allele. In silico tools, SIFT, PolyPhen, REVEL, and CADD predict conflicting evidence of pathogenicity. Based on the available evidence, the variant c.746G>A,p.Ser249Asn in the NLGN3 gene is classified as Variant of Uncertain Significance.